The following is an entry in ClinVar:

ClinVar aggregate classification (germline): Uncertain significance (1 of 4 stars; one submission).

Allele frequency attached by ClinVar (database versions not stated): gnomAD exomes 0.00001 and 0.00002; TOPMed 0.00001.
gnomAD v4.1: 22 of 1,612,278 alleles (0.0014%); highest among the groups gnomAD compares: Non-Finnish European, 0.0018%; no homozygotes.

Submission:

Labcorp Genetics (formerly Invitae), Labcorp
Classification: Uncertain significance. Last evaluated: 2018-04-26. Review status: criteria provided, single submitter. Criteria: Invitae Variant Classification Sherloc (09022015). Collection method: clinical testing. Allele origin: germline.
Comment: In summary, the available evidence is currently insufficient to determine the role of this variant in disease. Therefore, it has been classified as a Variant of Uncertain Significance. Algorithms developed to predict the effect of missense changes on protein structure and function do not agree on the potential impact of this missense change (SIFT: "Tolerated"; PolyPhen-2: "Probably Damaging"; Align-GVGD: "Class C0"). This variant has not been reported in the literature in individuals with PREX2-related disease. This variant is not present in population databases (ExAC no frequency). This sequence change replaces arginine with glutamine at codon 1567 of the PREX2 protein (p.Arg1567Gln). The arginine residue is highly conserved and there is a small physicochemical difference between arginine and glutamine.

NM_024870.4(PREX2):c.4700G>A (p.Arg1567Gln)

Gene: PREX2 (phosphatidylinositol-3,4,5-trisphosphate dependent Rac exchange factor 2; plus strand). Cytogenetic location: 8q13.2.
Variant type: single nucleotide variant.
Coding change: c.4700G>A on transcript NM_024870.4 (MANE Select); coding-DNA position 4700, G replaced by A.
Protein change: p.Arg1567Gln; replaces arginine 1567 with glutamine.
Molecular consequence: missense variant.
Genome position (GRCh38, 1-based): chr8:68,217,711, G>A. VCF-style: chr8-68217711-G-A. GRCh37 (hg19) VCF-style: chr8-69129946-G-A.
Other names: short protein forms R1567Q.
Identifiers: ClinVar variation 1009053 (VCV001009053.7), dbSNP rs759522634, ClinGen allele CA178603641.